The following is an entry in ClinVar:

ClinVar aggregate classification (germline): Uncertain significance (1 of 4 stars; one submission).

Conditions:
Charcot-Marie-Tooth disease type 2. Also called: Charcot-Marie-Tooth type 2. Identifiers: Orphanet 64746, MedGen C0270914, MONDO:0018993.

Allele frequency attached by ClinVar (database versions not stated): gnomAD exomes below 0.00001; TOPMed below 0.00001; gnomAD 0.00001.
gnomAD v4.1: 2 of 1,613,932 alleles (0.00012%); highest among the groups gnomAD compares: African/African-American, 0.0027%; no homozygotes.

Submission:

Labcorp Genetics (formerly Invitae), Labcorp
Classification: Uncertain significance for Charcot-Marie-Tooth disease type 2. Last evaluated: 2025-07-30. Review status: criteria provided, single submitter. Criteria: Invitae Variant Classification Sherloc (09022015). Collection method: clinical testing. Allele origin: germline.
Comment: This sequence change replaces aspartic acid, which is acidic and polar, with glycine, which is neutral and non-polar, at codon 708 of the AARS protein (p.Asp708Gly). This variant is not present in population databases (gnomAD no frequency). This variant has not been reported in the literature in individuals affected with AARS-related conditions. ClinVar contains an entry for this variant (Variation ID: 1986063). An algorithm developed to predict the effect of missense changes on protein structure and function (PolyPhen-2) suggests that this variant is likely to be tolerated. In summary, the available evidence is currently insufficient to determine the role of this variant in disease. Therefore, it has been classified as a Variant of Uncertain Significance.

NM_001605.3(AARS1):c.2123A>G (p.Asp708Gly)

Gene: AARS1 (alanyl-tRNA synthetase 1; minus strand). Cytogenetic location: 16q22.1.
Variant type: single nucleotide variant.
Coding change: c.2123A>G on transcript NM_001605.3 (MANE Select); coding-DNA position 2123, A replaced by G.
Protein change: p.Asp708Gly; replaces aspartic acid 708 with glycine.
Molecular consequence: missense variant.
Genome position (GRCh38, 1-based): chr16:70,258,087, T>C on the plus strand (A>G on the coding strand, the complement: AARS1 is on the minus strand). VCF-style: chr16-70258087-T-C. GRCh37 (hg19) VCF-style: chr16-70291990-T-C.
Other names: short protein forms D708G.
Identifiers: ClinVar variation 1986063 (VCV001986063.4), dbSNP rs904743547, ClinGen allele CA283429385.